The following is an entry in ClinVar:

NM_001267550.2(TTN):c.92302A>T (p.Lys30768Ter)

Genes: TTN (titin; minus strand), TTN-AS1 (TTN antisense RNA 1; plus strand). Cytogenetic location: 2q31.2.
Variant type: single nucleotide variant.
Coding change: c.92302A>T on transcript NM_001267550.2 (MANE Select); coding-DNA position 92302, A replaced by T.
Protein change: p.Lys30768Ter; replaces lysine 30768 with a stop codon.
Molecular consequence: nonsense.
Genome position (GRCh38, 1-based): chr2:178,549,324, T>A on the plus strand (A>T on the coding strand, the complement: TTN is on the minus strand). VCF-style: chr2-178549324-T-A. GRCh37 (hg19) VCF-style: chr2-179414051-T-A.
Other names: c.87379A>T, p.Lys29127Ter (NM_001256850.1); c.65107A>T, p.Lys21703Ter (NM_003319.4); c.84598A>T, p.Lys28200Ter (NM_133378.4); c.65482A>T, p.Lys21828Ter (NM_133432.3); c.65683A>T, p.Lys21895Ter (NM_133437.4); short protein forms K21703*, K21828*, K21895*, K29127*, K30768*, K28200*.
Identifiers: ClinVar variation 4615385 (VCV004615385.1).
Genomic context (GRCh38, chr2:178,549,324, plus strand): 5'-CTTCTGTCAGACCAGTGACTTTGAATCTTGTTTCAGAGATTGGTCGTTTGCTGATCACTT[T>A]TACCCATCTTGTGCTTTTCTTTTCTCTTCTTTCAAGGATATACTGTTGAATTTCACTGCC-3'

ClinVar aggregate classification (germline): Likely pathogenic (1 of 4 stars; one submission).

Conditions:
Cardiovascular phenotype. Identifiers: MedGen CN230736.

gnomAD v4.1: 1 of 1,613,918 alleles (0.000062%); highest among the groups gnomAD compares: Non-Finnish European, 0.000085%; no homozygotes.

Submission:

Ambry Genetics
Classification: Likely pathogenic for Cardiovascular phenotype. Last evaluated: 2025-11-06. Review status: criteria provided, single submitter. Criteria: Ambry Variant Classification Scheme 2023. Collection method: clinical testing. Allele origin: germline.
Comment: The c.65107A>T (p.K21703*) alteration, located in exon 167 (coding exon 166) of the TTN gene, consists of a A to T substitution at nucleotide position 65107. This changes the amino acid from a lysine (K) to a stop codon at amino acid position 21703. This variant is expected to result in loss of function by premature protein truncation or nonsense-mediated mRNA decay. This variant was not reported in population-based cohorts in the Genome Aggregation Database (gnomAD). This exon is located in the A-band region of the N2-B isoform of the titin protein and is constitutively expressed in TTN transcripts (percent spliced in or PSI 100%). While truncating variants in TTN are present in 1-3% of the general population, truncating variants in the A-band are the most common cause of dilated cardiomyopathy (Herman, 2012; Roberts, 2015). TTN truncating variants encoded in constitutive exons (PSI >90%) have been found to be significantly associated with DCM regardless of their position in titin (Schafer, 2017; Akhtar, 2020; Massier, 2025). Based on the available evidence, this alteration is classified as likely pathogenic.

Literature cited by the submitters: PubMed 22335739; PubMed 25589632; PubMed 27869827; PubMed 32964742; PubMed 39844436.